The following is an entry in ClinVar:

NM_001371395.1(USP53):c.823-2del

Gene: USP53 (ubiquitin specific peptidase 53; plus strand). Cytogenetic location: 4q26.
Variant type: Deletion.
Coding change: c.823-2del on transcript NM_001371395.1 (MANE Select); the canonical splice acceptor site of the intron before coding-DNA position 823, one base deleted (A; older notation c.823-2delA).
Molecular consequence: splice acceptor variant. On other transcripts: intron variant (1).
Genome position (GRCh38, 1-based): chr4:119,261,713, A deleted. VCF-style (leftmost placement, unchanged base first): chr4-119261712-CA-C. GRCh37 (hg19) VCF-style: chr4-120182867-CA-C.
Other names: c.475-2del (NM_001389667.1, NM_001389663.1, NM_001389664.1 and 3 more transcripts); c.823-2del (NM_001389658.1, NM_019050.3, NM_001389661.1 and 5 more transcripts); c.822+1060del (NM_001389660.1).
Identifiers: ClinVar variation 2760373 (VCV002760373.3), dbSNP rs2530512454, ClinGen allele CA2697546892.
Genomic context (GRCh38, chr4:119,261,712, plus strand): 5'-TAATTATTCCTCATTTTACAAAAGATGTAGTGTTAAGTGTACATTACCAATTTTTTTAAA[CA>C]GCTTTTTTATAGAGTTACTGATGAAAATGCCAAAAATAGTGAACTTAACCTTGTTGGTAT-3'

ClinVar aggregate classification (germline): Likely pathogenic (1 of 4 stars; one submission).

Submission:

Labcorp Genetics (formerly Invitae), Labcorp
Classification: Likely pathogenic. Last evaluated: 2023-09-12. Review status: criteria provided, single submitter. Criteria: Invitae Variant Classification Sherloc (09022015). Collection method: clinical testing. Allele origin: germline.
Comment: In summary, the currently available evidence indicates that the variant is pathogenic, but additional data are needed to prove that conclusively. Therefore, this variant has been classified as Likely Pathogenic. This sequence change affects a splice site in intron 10 of the USP53 gene. It is expected to disrupt RNA splicing. Variants that disrupt the donor or acceptor splice site typically lead to a loss of protein function (PMID: 16199547), and loss-of-function variants in USP53 are known to be pathogenic (PMID: 32124521, 32759993). This variant is not present in population databases (gnomAD no frequency). Disruption of this splice site has been observed in individual(s) with cholestasis (Invitae). Algorithms developed to predict the effect of sequence changes on RNA splicing suggest that this variant may disrupt the consensus splice site.

Literature cited by the submitters: PubMed 16199547; PubMed 32124521; PubMed 32759993.